The following is an entry in ClinVar:

ClinVar aggregate classification (germline): Likely benign. Review status: criteria provided, multiple submitters, no conflicts (2 of 4 stars). 2 submissions from 2 submitters: Likely benign (2). Last evaluated 2025-03-04.

Conditions:
Mitochondrial hypertrophic cardiomyopathy with lactic acidosis due to MTO1 deficiency. Also called: Combined oxidative phosphorylation deficiency 10; CARDIOMYOPATHY, INFANTILE HYPERTROPHIC MITOCHONDRIAL, AND LACTIC ACIDOSIS. Identifiers: Orphanet 314637, MedGen C4749921, MONDO:0013865, OMIM 614702.

Submissions (2):

Mayo Clinic Laboratories, Mayo Clinic
Classification: Likely benign. Last evaluated: 2025-03-04. Review status: criteria provided, single submitter. Criteria: ACMG Guidelines, 2015. Collection method: clinical testing. Allele origin: germline. Observed: 1 variant allele.
Comment: BP4, BP7, PM2_supporting

Labcorp Genetics (formerly Invitae), Labcorp
Classification: Likely benign for Mitochondrial hypertrophic cardiomyopathy with lactic acidosis due to MTO1 deficiency. Last evaluated: 2024-07-01. Review status: criteria provided, single submitter. Criteria: Invitae Variant Classification Sherloc (09022015). Collection method: clinical testing. Allele origin: germline.

NM_012123.4(MTO1):c.1465+7_1465+8del

Gene: MTO1 (mitochondrial tRNA translation optimization 1; plus strand). Cytogenetic location: 6q13.
Variant type: Microsatellite.
Coding change: c.1465+7_1465+8del on transcript NM_012123.4 (MANE Select); bases 7 to 8 of the intron after coding-DNA position 1465, 2 bases deleted (CT; older notation c.1465+7_1465+8delCT).
Molecular consequence: intron variant.
Genome position (GRCh38, 1-based): chr6:73,482,251-73,482,252, CT deleted; deleting any 2 consecutive bases within chr6:73,482,249-73,482,252 gives the same sequence; the c. name uses the placement nearest the transcript's 3' end. VCF-style (leftmost placement, unchanged base first): chr6-73482248-ACT-A. GRCh37 (hg19) VCF-style: chr6-74191971-ACT-A.
Other names: p.?; c.1540+7_1540+8del (NM_133645.3); c.1585+7_1585+8del (NM_001123226.2).
Identifiers: ClinVar variation 3678241 (VCV003678241.3).